The following is an entry in ClinVar:

ClinVar aggregate classification (germline): Uncertain significance (1 of 4 stars; one submission).

Conditions:
Myoclonic dystonia 26. Identifiers: MedGen C4225341, MONDO:0014620, OMIM 616398.

Submission:

Labcorp Genetics (formerly Invitae), Labcorp
Classification: Uncertain significance for Myoclonic dystonia 26. Last evaluated: 2025-04-23. Review status: criteria provided, single submitter. Criteria: Invitae Variant Classification Sherloc (09022015). Collection method: clinical testing. Allele origin: germline.
Comment: This sequence change affects codon 170 of the KCTD17 mRNA. It is a 'silent' change, meaning that it does not change the encoded amino acid sequence of the KCTD17 protein. It affects a nucleotide within the consensus splice site. This variant is present in population databases (rs149785422, gnomAD 0.01%). This variant has not been reported in the literature in individuals affected with KCTD17-related conditions. Algorithms developed to predict the effect of sequence changes on RNA splicing suggest that this variant is not likely to affect RNA splicing. In summary, the available evidence is currently insufficient to determine the role of this variant in disease. Therefore, it has been classified as a Variant of Uncertain Significance.

NM_001282684.2(KCTD17):c.487C>T (p.Leu163=)

Gene: KCTD17 (potassium channel tetramerization domain containing 17; plus strand). Cytogenetic location: 22q12.3.
Variant type: single nucleotide variant.
Coding change: c.487C>T on transcript NM_001282684.2 (MANE Select); coding-DNA position 487, C replaced by T.
Protein change: p.Leu163=; no amino-acid change (leucine 163 retained).
Molecular consequence: synonymous variant.
Genome position (GRCh38, 1-based): chr22:37,059,313, C>T. VCF-style: chr22-37059313-C-T. GRCh37 (hg19) VCF-style: chr22-37455353-C-T.
Other names: c.487C>T, p.Leu163= (NM_001282685.2, NM_001282686.2, NM_024681.4).
Identifiers: ClinVar variation 4801982 (VCV004801982.1).